The following is an entry in ClinVar:

NM_001242896.3(DEPDC5):c.2984G>A (p.Arg995His)

Gene: DEPDC5 (DEP domain containing 5, GATOR1 subcomplex subunit; plus strand). Cytogenetic location: 22q12.3.
Variant type: single nucleotide variant.
Coding change: c.2984G>A on transcript NM_001242896.3 (MANE Select); coding-DNA position 2984, G replaced by A.
Protein change: p.Arg995His; replaces arginine 995 with histidine.
Molecular consequence: missense variant. On other transcripts: non-coding transcript variant (5).
Genome position (GRCh38, 1-based): chr22:31,845,200, G>A. VCF-style: chr22-31845200-G-A. GRCh37 (hg19) VCF-style: chr22-32241186-G-A.
Other names: c.2900G>A, p.Arg967His (NM_001369902.1, NM_001369901.1); c.2957G>A, p.Arg986His (NM_001369903.1, NM_014662.6, NM_001136029.4); c.2750G>A, p.Arg917His (NM_001242897.2, NM_001363854.2, NM_001364319.2); c.2984G>A, p.Arg995His (NM_001363852.2, NM_001364318.2, NM_001364320.2); c.2984G>A (NM_001242896.1); short protein forms R967H, R986H, R995H, R917H.
Identifiers: ClinVar variation 2737038 (VCV002737038.4), dbSNP rs527479125, ClinGen allele CA323343878.

ClinVar aggregate classification (germline): Uncertain significance. Review status: criteria provided, multiple submitters, no conflicts (2 of 4 stars). 2 submissions from 2 submitters: Uncertain significance (2). Last evaluated 2026-03-16.

Conditions:
Familial focal epilepsy with variable foci (FPEVF). Identifiers: Orphanet 98820, MedGen C1858477, MONDO:0020310.

gnomAD v4.1: 4 of 1,614,178 alleles (0.00025%); highest among the groups gnomAD compares: South Asian, 0.0033%; no homozygotes.

Submissions (2):

GeneDx
Classification: Uncertain significance. Last evaluated: 2026-03-16. Review status: criteria provided, single submitter. Criteria: GeneDx Variant Classification Process June 2021. Collection method: clinical testing. Allele origin: germline.
Comment: In silico analysis supports that this missense variant has a deleterious effect on protein structure/function; This variant is associated with the following publications: (PMID: 30093711, 30427063, 28170089)

Labcorp Genetics (formerly Invitae), Labcorp
Classification: Uncertain significance for Familial focal epilepsy with variable foci. Last evaluated: 2023-08-31. Review status: criteria provided, single submitter. Criteria: Invitae Variant Classification Sherloc (09022015). Collection method: clinical testing. Allele origin: germline.
Comment: In summary, the available evidence is currently insufficient to determine the role of this variant in disease. Therefore, it has been classified as a Variant of Uncertain Significance. Experimental studies and prediction algorithms are not available or were not evaluated, and the functional significance of this variant is currently unknown. This missense change has been observed in individuals with DEPDC5-related conditions (PMID: 28170089, 30427063). This variant is present in population databases (rs527479125, gnomAD 0.007%). This sequence change replaces arginine, which is basic and polar, with histidine, which is basic and polar, at codon 995 of the DEPDC5 protein (p.Arg995His).

Literature cited by the submitters: PubMed 28170089 (cited by Labcorp Genetics (formerly Invitae), Labcorp); PubMed 30427063 (cited by Labcorp Genetics (formerly Invitae), Labcorp).